The following is an entry in ClinVar:

ClinVar aggregate classification (germline): Uncertain significance. Review status: criteria provided, multiple submitters, no conflicts (2 of 4 stars). 7 submissions from 7 submitters: Uncertain significance (7). Last evaluated 2024-10-28.

Conditions:
Melanoma, cutaneous malignant, susceptibility to, 1 (CMM1). Also called: MELANOMA, MALIGNANT; B-K MOLE SYNDROME; DYSPLASTIC NEVUS SYNDROME, HEREDITARY; FAMILIAL ATYPICAL MOLE-MALIGNANT MELANOMA SYNDROME. Identifiers: Orphanet 618, MedGen C1835047, MONDO:0007963, OMIM 155600.
Peutz-Jeghers syndrome (PJS). Also called: POLYPOSIS, HAMARTOMATOUS INTESTINAL; POLYPS-AND-SPOTS SYNDROME; Peutz-Jeghers polyposis; Periorificial lentiginosis syndrome. Identifiers: Orphanet 2869, MedGen C0031269, MeSH D010580, MONDO:0008280, OMIM 175200.
Germ cell tumor of testis (TGCT). Also called: GERM CELL TUMOR, SOMATIC; Testicular germ cell tumor. Identifiers: Orphanet 363504, MedGen C1336708, MONDO:0010108, OMIM 273300.
Familial pancreatic carcinoma. Identifiers: Orphanet 1333, MedGen C2931038, MONDO:0015278, OMIM 260350.
Hereditary cancer-predisposing syndrome. Also called: Hereditary neoplastic syndrome; Neoplastic Syndromes, Hereditary; Tumor predisposition; Hereditary Cancer Syndrome. Identifiers: Orphanet 140162, MedGen C0027672, MeSH D009386, MONDO:0015356.

Allele frequency attached by ClinVar (database versions not stated): gnomAD exomes below 0.00001.

Submissions (7):

Department of Pathology and Laboratory Medicine, Sinai Health System
Classification: Uncertain significance for Melanoma, cutaneous malignant, susceptibility to, 1; Peutz-Jeghers syndrome; Familial pancreatic carcinoma; Germ cell tumor of testis. Last evaluated: 2024-10-28. Review status: criteria provided, single submitter. Criteria: ACMG Guidelines, 2015. Collection method: clinical testing. Allele origin: germline.

Labcorp Genetics (formerly Invitae), Labcorp
Classification: Uncertain significance for Peutz-Jeghers syndrome. Last evaluated: 2024-04-29. Review status: criteria provided, single submitter. Criteria: Invitae Variant Classification Sherloc (09022015). Collection method: clinical testing. Allele origin: germline.
Comment: This sequence change replaces methionine, which is neutral and non-polar, with isoleucine, which is neutral and non-polar, at codon 18 of the STK11 protein (p.Met18Ile). This variant is present in population databases (rs755436889, gnomAD 0.0009%). This variant has not been reported in the literature in individuals affected with STK11-related conditions. ClinVar contains an entry for this variant (Variation ID: 480711). Advanced modeling of protein sequence and biophysical properties (such as structural, functional, and spatial information, amino acid conservation, physicochemical variation, residue mobility, and thermodynamic stability) performed at Invitae indicates that this missense variant is not expected to disrupt STK11 protein function with a negative predictive value of 95%. In summary, the available evidence is currently insufficient to determine the role of this variant in disease. Therefore, it has been classified as a Variant of Uncertain Significance.

Ambry Genetics
Classification: Uncertain significance for Hereditary cancer-predisposing syndrome. Last evaluated: 2024-04-22. Review status: criteria provided, single submitter. Criteria: Ambry Variant Classification Scheme 2023. Collection method: clinical testing. Allele origin: germline.
Comment: The p.M18I variant (also known as c.54G>A), located in coding exon 1 of the STK11 gene, results from a G to A substitution at nucleotide position 54. The methionine at codon 18 is replaced by isoleucine, an amino acid with highly similar properties. This alteration was seen in 0/732 breast cancer patients, 0/189 colorectal cancer patients and 1/490 cancer-free elderly controls in a Turkish population (Akcay IM et al. Int J Cancer, 2021 01;148:285-295). This amino acid position is well conserved in available vertebrate species. In addition, this alteration is predicted to be tolerated by in silico analysis. Since supporting evidence is limited at this time, the clinical significance of this alteration remains unclear.

All of Us Research Program, National Institutes of Health
Classification: Uncertain significance for Peutz-Jeghers syndrome. Last evaluated: 2024-03-24. Review status: criteria provided, single submitter. Criteria: ACMG Guidelines, 2015. Collection method: clinical testing. Allele origin: germline. Inheritance: Autosomal dominant inheritance. Observed: 1 variant allele, 1 heterozygote.
Comment: This missense variant replaces methionine with isoleucine at codon 18 of the STK11 protein. Computational prediction suggests that this variant may not impact protein structure and function. To our knowledge, functional studies have not been reported for this variant. This variant has not been reported in individuals affected with STK11-related disorders in the literature. This variant has been identified in 1/241242 chromosomes in the general population by the Genome Aggregation Database (gnomAD). The available evidence is insufficient to determine the role of this variant in disease conclusively. Therefore, this variant is classified as a Variant of Uncertain Significance.

This study involves interpretation of variants in research participants for the purpose of population health screening. Participant phenotype was not available at the time of variant classification. Additional details can be found in publication PMID: 35346344, PMCID: PMC8962531

Baylor Genetics
Classification: Uncertain significance for Melanoma, cutaneous malignant, susceptibility to, 1. Last evaluated: 2024-03-22. Review status: criteria provided, single submitter. Criteria: ACMG Guidelines, 2015. Collection method: clinical testing. Allele origin: unknown.

Color Diagnostics, LLC DBA Color Health
Classification: Uncertain significance for Hereditary cancer-predisposing syndrome. Last evaluated: 2024-02-21. Review status: criteria provided, single submitter. Criteria: ACMG Guidelines, 2015. Collection method: clinical testing. Allele origin: germline.
Comment: This missense variant replaces methionine with isoleucine at codon 18 of the STK11 protein. Computational prediction suggests that this variant may not impact protein structure and function. To our knowledge, functional studies have not been reported for this variant. This variant has not been reported in individuals affected with STK11-related disorders in the literature. This variant has been identified in 1/241242 chromosomes in the general population by the Genome Aggregation Database (gnomAD). The available evidence is insufficient to determine the role of this variant in disease conclusively. Therefore, this variant is classified as a Variant of Uncertain Significance.

Genome-Nilou Lab
Classification: Uncertain significance for Peutz-Jeghers syndrome. Last evaluated: 2021-07-15. Review status: criteria provided, single submitter. Criteria: ACMG Guidelines, 2015. Collection method: clinical testing. Allele origin: germline. Affected: no.

Literature cited by the submitters: PubMed 32658311 (cited by Department of Pathology and Laboratory Medicine, Sinai Health System and Ambry Genetics).

NM_000455.5(STK11):c.54G>A (p.Met18Ile)

Gene: STK11 (serine/threonine kinase 11; plus strand). Cytogenetic location: 19p13.3.
Variant type: single nucleotide variant.
Coding change: c.54G>A on transcript NM_000455.5 (MANE Select); coding-DNA position 54, G replaced by A.
Protein change: p.Met18Ile; replaces methionine 18 with isoleucine.
Molecular consequence: missense variant.
Genome position (GRCh38, 1-based): chr19:1,206,967, G>A. VCF-style: chr19-1206967-G-A. GRCh37 (hg19) VCF-style: chr19-1206966-G-A.
Other names: short protein forms M18I.
Identifiers: ClinVar variation 480711 (VCV000480711.24), dbSNP rs755436889, ClinGen allele CA048043.
Genomic context (GRCh38, chr19:1,206,967, plus strand): 5'-GTCCAGCATGGAGGTGGTGGACCCGCAGCAGCTGGGCATGTTCACGGAGGGCGAGCTGAT[G>A]TCGGTGGGTATGGACACGTTCATCCACCGCATCGACTCCACCGAGGTCATCTACCAGCCG-3'
Protein context (NP_000446.1, residues 8-28): QLGMFTEGEL[Met18Ile]SVGMDTFIHR